The following is an entry in ClinVar:

ClinVar aggregate classification (germline): Uncertain significance. Review status: criteria provided, multiple submitters, no conflicts (2 of 4 stars). 2 submissions from 2 submitters: Uncertain significance (2). Last evaluated 2022-05-28.

Conditions:
Myopathy, proximal, and ophthalmoplegia (CMYO6). Also called: MYOPATHY WITH CONGENITAL JOINT CONTRACTURES, OPHTHALMOPLEGIA, AND RIMMED VACUOLES; INCLUSION BODY MYOPATHY 3, AUTOSOMAL DOMINANT; CONGENITAL MYOPATHY 6 WITH OPHTHALMOPLEGIA. Identifiers: Orphanet 363677, Orphanet 79091, MedGen C1854106, MONDO:0011577, OMIM 605637.

Allele frequency attached by ClinVar (database versions not stated): gnomAD 0.00001; TOPMed 0.00001; gnomAD exomes 0.00002 and 0.00004; ExAC 0.00003.
gnomAD v4.1: 27 of 1,613,916 alleles (0.0017%); highest among the groups gnomAD compares: Admixed American, 0.0067%; no homozygotes.

Submissions (2):

Labcorp Genetics (formerly Invitae), Labcorp
Classification: Uncertain significance for Myopathy, proximal, and ophthalmoplegia. Last evaluated: 2022-05-28. Review status: criteria provided, single submitter. Criteria: Invitae Variant Classification Sherloc (09022015). Collection method: clinical testing. Allele origin: germline.
Comment: This sequence change replaces arginine, which is basic and polar, with cysteine, which is neutral and slightly polar, at codon 1903 of the MYH2 protein (p.Arg1903Cys). This variant is present in population databases (rs777766586, gnomAD 0.01%). This variant has not been reported in the literature in individuals affected with MYH2-related conditions. ClinVar contains an entry for this variant (Variation ID: 1519264). Algorithms developed to predict the effect of missense changes on protein structure and function (SIFT, PolyPhen-2, Align-GVGD) all suggest that this variant is likely to be disruptive. In summary, the available evidence is currently insufficient to determine the role of this variant in disease. Therefore, it has been classified as a Variant of Uncertain Significance.

GeneDx
Classification: Uncertain significance. Last evaluated: 2022-03-17. Review status: criteria provided, single submitter. Criteria: GeneDx Variant Classification Process June 2021. Collection method: clinical testing. Allele origin: germline. Affected: yes.
Comment: Has not been previously published as pathogenic or benign to our knowledge; In silico analysis supports that this missense variant has a deleterious effect on protein structure/function

NM_017534.6(MYH2):c.5707C>T (p.Arg1903Cys)

Genes: MYH2 (myosin heavy chain 2; minus strand), MYHAS (myosin heavy chain gene cluster antisense RNA; plus strand). Cytogenetic location: 17p13.1.
Variant type: single nucleotide variant.
Coding change: c.5707C>T on transcript NM_017534.6 (MANE Select); coding-DNA position 5707, C replaced by T.
Protein change: p.Arg1903Cys; replaces arginine 1903 with cysteine.
Molecular consequence: missense variant.
Genome position (GRCh38, 1-based): chr17:10,521,399, G>A on the plus strand (C>T on the coding strand, the complement: MYH2 is on the minus strand). VCF-style: chr17-10521399-G-A. GRCh37 (hg19) VCF-style: chr17-10424716-G-A.
Other names: c.5707C>T, p.Arg1903Cys (NM_001100112.2); short protein forms R1903C.
Identifiers: ClinVar variation 1519264 (VCV001519264.9), dbSNP rs777766586, ClinGen allele CA8390322.